The following is an entry in ClinVar:

ClinVar aggregate classification (germline): Uncertain significance (1 of 4 stars; one submission).

gnomAD v4.1: 1 of 1,613,864 alleles (0.000062%); highest among the groups gnomAD compares: South Asian, 0.0011%; no homozygotes.

Submission:

GeneDx
Classification: Uncertain significance. Last evaluated: 2024-05-09. Review status: criteria provided, single submitter. Criteria: GeneDx Variant Classification Process June 2021. Collection method: clinical testing. Allele origin: germline. Affected: yes.
Comment: Not observed at significant frequency in large population cohorts (gnomAD); In silico analysis supports that this missense variant has a deleterious effect on protein structure/function; Has not been previously published as pathogenic or benign to our knowledge.

NM_197968.4(ZMYM2):c.1418A>G (p.Tyr473Cys)

Gene: ZMYM2 (zinc finger MYM-type containing 2; plus strand). Cytogenetic location: 13q12.11.
Variant type: single nucleotide variant.
Coding change: c.1418A>G on transcript NM_197968.4 (MANE Select); coding-DNA position 1418, A replaced by G.
Protein change: p.Tyr473Cys; replaces tyrosine 473 with cysteine.
Molecular consequence: missense variant. On other transcripts: non-coding transcript variant (1).
Genome position (GRCh38, 1-based): chr13:20,006,492, A>G. VCF-style: chr13-20006492-A-G. GRCh37 (hg19) VCF-style: chr13-20580632-A-G.
Other names: c.1418A>G, p.Tyr473Cys (NM_001190964.4, NM_001190965.4, NM_001353157.2 and 5 more transcripts); c.1223A>G, p.Tyr408Cys (NM_001353161.3); c.1157A>G, p.Tyr386Cys (NM_001353163.2); short protein forms Y386C, Y408C, Y473C.
Identifiers: ClinVar variation 3378145 (VCV003378145.1).